The following is an entry in ClinVar:

NM_000152.5(GAA):c.2078dup (p.Ala694fs)

Gene: GAA (alpha glucosidase; plus strand). Cytogenetic location: 17q25.3.
Variant type: Duplication.
Coding change: c.2078dup on transcript NM_000152.5 (MANE Select); coding-DNA position 2078, one base duplicated (A; older notation c.2078dupA).
Protein change: p.Ala694fs; shifts the reading frame from alanine 694.
Molecular consequence: frameshift variant.
Genome position (GRCh38, 1-based): chr17:80,113,255, A duplicated. VCF-style (leftmost placement, unchanged base first): chr17-80113254-C-CA. GRCh37 (hg19) VCF-style: chr17-78087053-C-CA.
Other names: c.2078dup (NM_000152.3, LRG_673t1); c.2078dupA (NM_000152.4); c.2078dup, p.Ala694fs (NM_001079803.3, NM_001079804.3); short protein forms A694fs.
Identifiers: ClinVar variation 180143 (VCV000180143.13), dbSNP rs730880372, ClinGen allele CA273685.

ClinVar aggregate classification (germline): Pathogenic. Review status: criteria provided, multiple submitters, no conflicts (2 of 4 stars). 9 submissions from 9 submitters: Pathogenic (8). 1 of the submissions does not count toward it. Last evaluated 2026-07-01.

Conditions:
Glycogen storage disease. Also called: Disorder of glycogen metabolism; glycogen storage disorder. Identifiers: Orphanet 79201, MedGen C0017919, MONDO:0002412.
Glycogen storage disease, type II (IOPD). Also called: GLYCOGENOSIS, GENERALIZED, CARDIAC FORM; GSD II; Glycogen storage disease type 2; Acid maltase deficiency disease; Aglucosidase alfa; Deficiency of alpha-glucosidase. Identifiers: Orphanet 365, MedGen C0017921, MONDO:0009290, OMIM 232300.

Submissions (9):

Genomenon, Inc
Classification: Pathogenic for Glycogen storage disease, type II. Last evaluated: 2026-07-01. Review status: criteria provided, single submitter. Criteria: Genomenon Sequence Variant Interpretation Standards - Updated. Collection method: curation. Allele origin: germline. Affected: yes.
Comment: GAA p.Ala694GlyfsTer43 (c.2078dup) is a frameshift variant that is predicted to introduce a premature termination codon and result in a truncated or absent protein product. This variant has been observed in at least one proband with a GAA-related disorder (PMID:39731073;38043017;31545528;31125121;28560178;26497565;27649523;20033296;25626711;23360637). It is absent or not present at a significant frequency in gnomAD. In conclusion, we classify GAA p.Ala694GlyfsTer43 (c.2078dup) as a pathogenic variant.

Genetics Laboratory, Great Ormond Street Hospital NHS Foundation Trust, North Thames Genomic Laboratory Hub
Classification: Pathogenic for Glycogen storage disease. Last evaluated: 2026-03-19. Review status: criteria provided, single submitter. Criteria: ACGS Best Practice Guidelines for Variant Classification in Rare Disease 2024 v1.2. Collection method: clinical testing. Allele origin: germline. Affected: yes.
Comment: PM2_moderate, PVS1_very-strong, PM3_moderate, PP4_strong

Natera, Inc.
Classification: Pathogenic for Glycogen storage disease type II. Last evaluated: 2025-11-19. Review status: criteria provided, single submitter. Criteria: Natera Variant Classification Schema (03/2026). Collection method: clinical testing. Allele origin: germline.
Comment: The c.2078dupA variant in GAA is a frameshift variant predicted to shift the reading frame beginning at codon 694 and leads to a stop codon 43 codons downstream. This variant is expected to result in nonsense mediated decay, truncation, or a dysfunctional protein product. This variant is rare in the general population with a frequency below the threshold expected for the associated phenotype(s). This variant has been observed in one or more individuals affected with the associated recessive disease, as either homozygous or compound heterozygous with a second variant (PMID: 26497565, 27649523, 20033296). Given the available evidence, this variant is classified as Pathogenic.

Baylor Genetics
Classification: Pathogenic for Glycogen storage disease, type II. Last evaluated: 2024-03-16. Review status: criteria provided, single submitter. Criteria: ACMG Guidelines, 2015. Collection method: clinical testing. Allele origin: unknown.

Labcorp Genetics (formerly Invitae), Labcorp
Classification: Pathogenic for Glycogen storage disease, type II. Last evaluated: 2024-02-24. Review status: criteria provided, single submitter. Criteria: Invitae Variant Classification Sherloc (09022015). Collection method: clinical testing. Allele origin: germline.
Comment: This sequence change creates a premature translational stop signal (p.Ala694Glyfs*43) in the GAA gene. It is expected to result in an absent or disrupted protein product. Loss-of-function variants in GAA are known to be pathogenic (PMID: 18425781, 22252923). This variant is not present in population databases (gnomAD no frequency). This premature translational stop signal has been observed in individual(s) with Pompe disease (PMID: 27344650). ClinVar contains an entry for this variant (Variation ID: 180143). For these reasons, this variant has been classified as Pathogenic.

Fulgent Genetics
Classification: Pathogenic for Glycogen storage disease, type II. Last evaluated: 2024-02-07. Review status: criteria provided, single submitter. Criteria: ACMG Guidelines, 2015. Collection method: clinical testing. Allele origin: germline.

GeneDx
Classification: Pathogenic. Last evaluated: 2023-06-26. Review status: criteria provided, single submitter. Criteria: GeneDx Variant Classification Process June 2021. Collection method: clinical testing. Allele origin: germline. Affected: yes.
Comment: Not observed at significant frequency in large population cohorts (gnomAD); Frameshift variant predicted to result in protein truncation or nonsense mediated decay in a gene for which loss of function is a known mechanism of disease; This variant is associated with the following publications: (PMID: 31254424, 23360637, 27927596, 31101460, 31125121, 27344650, 27649523, 30105547, 31342611)

Eurofins Ntd Llc (ga)
Classification: Pathogenic. Last evaluated: 2018-05-22. Review status: criteria provided, single submitter. Criteria: EGL ClinVar v180209 classification definitions. Collection method: clinical testing. Allele origin: germline. Observed: 1 variant allele, 1 heterozygote.

Medical Genetic Department, Shiraz University Of Medical Science
Classification: Pathogenic for Glycogen storage disease, type II. Review status: no assertion criteria provided. Collection method: clinical testing. Allele origin: germline. Affected: no. Not counted in ClinVar's aggregate classification.

Literature cited by the submitters: PubMed 39731073 (cited by Genomenon, Inc); PubMed 38043017 (cited by Genomenon, Inc); PubMed 31545528 (cited by Genomenon, Inc); PubMed 31125121 (cited by Genomenon, Inc); PubMed 28560178 (cited by Genomenon, Inc); PubMed 26497565 (cited by Genomenon, Inc and Natera, Inc.); PubMed 27649523 (cited by Genomenon, Inc and Natera, Inc.); PubMed 20033296 (cited by Genomenon, Inc and Natera, Inc.); PubMed 25626711 (cited by Genomenon, Inc); PubMed 23360637 (cited by Genomenon, Inc); PubMed 18425781 (cited by Labcorp Genetics (formerly Invitae), Labcorp); PubMed 22252923 (cited by Labcorp Genetics (formerly Invitae), Labcorp); PubMed 27344650 (cited by Labcorp Genetics (formerly Invitae), Labcorp).